The following is an entry in ClinVar:

NM_001009944.3(PKD1):c.7459C>T (p.Leu2487Phe)

Gene: PKD1 (polycystin 1, transient receptor potential channel interacting; minus strand). Cytogenetic location: 16p13.3.
Variant type: single nucleotide variant.
Coding change: c.7459C>T on transcript NM_001009944.3 (MANE Select); coding-DNA position 7459, C replaced by T.
Protein change: p.Leu2487Phe; replaces leucine 2487 with phenylalanine.
Molecular consequence: missense variant.
Genome position (GRCh38, 1-based): chr16:2,106,428, G>A on the plus strand (C>T on the coding strand, the complement: PKD1 is on the minus strand). VCF-style: chr16-2106428-G-A. GRCh37 (hg19) VCF-style: chr16-2156429-G-A.
Other names: c.7459C>T, p.Leu2487Phe (NM_000296.4); short protein forms L2487F.
Identifiers: ClinVar variation 3213509 (VCV003213509.2), dbSNP rs1218768369, ClinGen allele CA394369525.

ClinVar aggregate classification (germline): Uncertain significance. Review status: criteria provided, multiple submitters, no conflicts (2 of 4 stars). 2 submissions from 2 submitters: Uncertain significance (2). Last evaluated 2026-04-21.

Conditions:
Inborn genetic diseases. Identifiers: MedGen C0950123, MeSH D030342.

Allele frequency attached by ClinVar (database versions not stated): gnomAD exomes 0.00001.
gnomAD v4.1: 11 of 1,589,222 alleles (0.00069%); highest among the groups gnomAD compares: East Asian, 0.0046%; no homozygotes.

Submissions (2):

Women's Health and Genetics/Laboratory Corporation of America, LabCorp
Classification: Uncertain significance. Last evaluated: 2026-04-21. Review status: criteria provided, single submitter. Criteria: LabCorp Variant Classification Summary - May 2015. Collection method: clinical testing. Allele origin: germline.
Comment: Variant summary: PKD1 c.7459C>T (p.Leu2487Phe) results in a non-conservative amino acid change in the encoded protein sequence. Algorithms developed to predict the effect of missense changes on protein structure and function all suggest that this variant is likely to be disruptive. The variant was absent in 174948 control chromosomes. The available data on variant occurrences in the general population are insufficient to allow any conclusion about variant significance. To our knowledge, no occurrence of c.7459C>T in individuals affected with PKD1-related conditions and no experimental evidence demonstrating its impact on protein function have been reported. ClinVar contains an entry for this variant (Variation ID: 3213509). Based on the evidence outlined above, the variant was classified as uncertain significance.

Ambry Genetics
Classification: Uncertain significance for Inborn genetic diseases. Last evaluated: 2023-12-07. Review status: criteria provided, single submitter. Criteria: Ambry Variant Classification Scheme 2023. Collection method: clinical testing. Allele origin: germline.